The following is an entry in ClinVar:

ClinVar aggregate classification (germline): Uncertain significance. Review status: criteria provided, multiple submitters, no conflicts (2 of 4 stars). 2 submissions from 2 submitters: Uncertain significance (2). Last evaluated 2024-08-30.

Conditions:
Leber congenital amaurosis 4 (LCA4). Identifiers: MedGen C1858386, MONDO:0011458, OMIM 604393.

Allele frequency attached by ClinVar (database versions not stated): gnomAD exomes below 0.00001; TOPMed 0.00001; 1000 Genomes Project 30x 0.00016; 1000 Genomes Project 0.00020.
gnomAD v4.1: 8 of 1,613,936 alleles (0.0005%); highest among the groups gnomAD compares: South Asian, 0.0055%; no homozygotes.

Submissions (2):

Revvity Omics, Revvity
Classification: Uncertain significance for Leber congenital amaurosis 4. Last evaluated: 2024-08-30. Review status: criteria provided, single submitter. Criteria: ACMG Guidelines, 2015. Collection method: clinical testing. Allele origin: germline.

Labcorp Genetics (formerly Invitae), Labcorp
Classification: Uncertain significance for Leber congenital amaurosis 4. Last evaluated: 2022-09-01. Review status: criteria provided, single submitter. Criteria: Invitae Variant Classification Sherloc (09022015). Collection method: clinical testing. Allele origin: germline.
Comment: This sequence change replaces methionine, which is neutral and non-polar, with threonine, which is neutral and polar, at codon 59 of the AIPL1 protein (p.Met59Thr). This variant is present in population databases (rs545384558, gnomAD 0.01%). This variant has not been reported in the literature in individuals affected with AIPL1-related conditions. ClinVar contains an entry for this variant (Variation ID: 1524295). Algorithms developed to predict the effect of missense changes on protein structure and function are either unavailable or do not agree on the potential impact of this missense change (SIFT: "Deleterious"; PolyPhen-2: "Possibly Damaging"; Align-GVGD: "Class C0"). In summary, the available evidence is currently insufficient to determine the role of this variant in disease. Therefore, it has been classified as a Variant of Uncertain Significance.

NM_014336.5(AIPL1):c.176T>C (p.Met59Thr)

Gene: AIPL1 (AIP like 1 HSP90 co-chaperone; minus strand). Cytogenetic location: 17p13.2.
Variant type: single nucleotide variant.
Coding change: c.176T>C on transcript NM_014336.5 (MANE Select); coding-DNA position 176, T replaced by C.
Protein change: p.Met59Thr; replaces methionine 59 with threonine.
Molecular consequence: missense variant. On other transcripts: intron variant (1).
Genome position (GRCh38, 1-based): chr17:6,434,019, A>G on the plus strand (T>C on the coding strand, the complement: AIPL1 is on the minus strand). VCF-style: chr17-6434019-A-G. GRCh37 (hg19) VCF-style: chr17-6337339-A-G.
Other names: c.176T>C, p.Met59Thr (NM_001033054.3, NM_001285401.3, NM_001285403.4); c.140T>C, p.Met47Thr (NM_001285399.3); c.110T>C, p.Met37Thr (NM_001285400.3); c.59T>C, p.Met20Thr (NM_001285402.2); c.96+990T>C (NM_001033055.3); short protein forms M20T, M47T, M37T, M59T.
Identifiers: ClinVar variation 1524295 (VCV001524295.4), dbSNP rs545384558, ClinGen allele CA8328601.